The following is an entry in ClinVar:

ClinVar aggregate classification (germline): Uncertain significance (1 of 4 stars; one submission).

Submission:

GeneDx
Classification: Uncertain significance. Last evaluated: 2013-05-13. Review status: criteria provided, single submitter. Criteria: GeneDx Variant Classification (06012015). Collection method: clinical testing. Allele origin: germline. Affected: yes.
Comment: p.Thr208Asn (ACC>AAC): c.623 C>A in exon 3 of the CLN8 gene (NM_018941.3)TheThr208Asn missense change has not been published as a mutation, nor has it been reported as a benign polymorphism to our knowledge. It was not observed in approximately 6,500 individuals of European and African American ancestry in the NHLBI Exome Sequencing Project, indicating it is not a common benign variant in these populations. The amino acid substitution is conservative, as both Threonine and Asparagine are uncharged, non-polar amino acids. It alters a position in the loop between the fourth and fifth transmembrane domains that is conserved through mammals but is not conserved in more distant species, and other missense mutations have been reported in this region of the protein. One in silico algorithm predicts it may be benign while others suggest it may be damaging to protein structure/function. Therefore, based on the currently available information, it is unclear whether Thr208Asn is a disease-causing mutation or a rare benign variant. The variant is found in ADULT-EPI panel(s).

NM_018941.4(CLN8):c.623C>A (p.Thr208Asn)

Gene: CLN8 (CLN8 transmembrane ER and ERGIC protein; plus strand). Cytogenetic location: 8p23.3.
Variant type: single nucleotide variant.
Coding change: c.623C>A on transcript NM_018941.4 (MANE Select); coding-DNA position 623, C replaced by A.
Protein change: p.Thr208Asn; replaces threonine 208 with asparagine.
Molecular consequence: missense variant.
Genome position (GRCh38, 1-based): chr8:1,780,329, C>A. VCF-style: chr8-1780329-C-A. GRCh37 (hg19) VCF-style: chr8-1728495-C-A.
Other names: p.T208N:ACC>AAC; short protein forms T208N.
Identifiers: ClinVar variation 205193 (VCV000205193.2), dbSNP rs796052363, ClinGen allele CA314011.